The following is an entry in ClinVar:

NM_007194.4(CHEK2):c.372C>G (p.Cys124Trp)

Gene: CHEK2 (checkpoint kinase 2; minus strand). Cytogenetic location: 22q12.1.
Variant type: single nucleotide variant.
Coding change: c.372C>G on transcript NM_007194.4 (MANE Select); coding-DNA position 372, C replaced by G.
Protein change: p.Cys124Trp; replaces cysteine 124 with tryptophan.
Molecular consequence: missense variant.
Genome position (GRCh38, 1-based): chr22:28,725,315, G>C on the plus strand (C>G on the coding strand, the complement: CHEK2 is on the minus strand). VCF-style: chr22-28725315-G-C. GRCh37 (hg19) VCF-style: chr22-29121303-G-C.
Other names: c.501C>G, p.Cys167Trp (NM_001005735.3); c.-406C>G (NM_001257387.3); c.372C>G, p.Cys124Trp (NM_001349956.3, NM_145862.3); short protein forms C167W, C124W.
Identifiers: ClinVar variation 1372023 (VCV001372023.9), dbSNP rs1555927291, ClinGen allele CA411108110.

ClinVar aggregate classification (germline): Uncertain significance (1 of 4 stars; one submission).

Conditions:
Familial cancer of breast. Also called: hereditary breast carcinoma; Hereditary breast cancer; BREAST CANCER, FAMILIAL. Identifiers: Orphanet 227535, MedGen C0346153, MONDO:0016419, OMIM 114480. Disease mechanism: loss of function.

Allele frequency attached by ClinVar (database versions not stated): gnomAD exomes below 0.00001.

Submission:

Labcorp Genetics (formerly Invitae), Labcorp
Classification: Uncertain significance for Familial cancer of breast. Last evaluated: 2025-11-18. Review status: criteria provided, single submitter. Criteria: Invitae Variant Classification Sherloc (09022015). Collection method: clinical testing. Allele origin: germline.
Comment: This sequence change replaces cysteine, which is neutral and slightly polar, with tryptophan, which is neutral and slightly polar, at codon 124 of the CHEK2 protein (p.Cys124Trp). This variant is not present in population databases (gnomAD no frequency). This variant has not been reported in the literature in individuals affected with CHEK2-related conditions. ClinVar contains an entry for this variant (Variation ID: 1372023). An algorithm developed to predict the effect of missense changes on protein structure and function (PolyPhen-2) suggests that this variant is likely to be disruptive. In summary, the available evidence is currently insufficient to determine the role of this variant in disease. Therefore, it has been classified as a Variant of Uncertain Significance.